The following is an entry in ClinVar:

NM_013246.3(CLCF1):c.*5T>A

Genes: CLCF1 (cardiotrophin like cytokine factor 1; minus strand), LOC100130987 (uncharacterized LOC100130987; plus strand). Cytogenetic location: 11q13.2.
Variant type: single nucleotide variant.
Coding change: c.*5T>A on transcript NM_013246.3 (MANE Select); 5 bases downstream of the stop codon, T replaced by A.
Molecular consequence: 3 prime UTR variant.
Genome position (GRCh38, 1-based): chr11:67,365,131, A>T on the plus strand (T>A on the coding strand, the complement: CLCF1 is on the minus strand). VCF-style: chr11-67365131-A-T. GRCh37 (hg19) VCF-style: chr11-67132602-A-T.
Other names: c.*5T>A (NM_001166212.2).
Identifiers: ClinVar variation 4848413 (VCV004848413.1).

ClinVar aggregate classification (germline): Uncertain significance (1 of 4 stars; one submission).

gnomAD v4.1: 1 of 1,613,742 alleles (0.000062%); highest among the groups gnomAD compares: Non-Finnish European, 0.000085%; no homozygotes.

Submission:

Women's Health and Genetics/Laboratory Corporation of America, LabCorp
Classification: Uncertain significance. Last evaluated: 2026-04-20. Review status: criteria provided, single submitter. Criteria: LabCorp Variant Classification Summary - May 2015. Collection method: clinical testing. Allele origin: germline.
Comment: Variant summary: CLCF1 c.*5T>A is located in the untranslated mRNA region downstream of the termination codon. The variant allele was found at a frequency of 6.2e-07 in 1613742 control chromosomes. The available data on variant occurrences in the general population are insufficient to allow any conclusion about variant significance. To our knowledge, no occurrence of c.*5T>A in individuals affected with CLCF1-related conditions and no experimental evidence demonstrating its impact on protein function have been reported. No submitters have cited clinical-significance assessments for this variant to ClinVar. Based on the evidence outlined above, the variant was classified as uncertain significance.